The following is an entry in ClinVar:

NM_198252.3(GSN):c.776T>C (p.Met259Thr)

Gene: GSN (gelsolin; plus strand). Cytogenetic location: 9q33.2.
Variant type: single nucleotide variant.
Coding change: c.776T>C on transcript NM_198252.3 (MANE Select); coding-DNA position 776, T replaced by C.
Protein change: p.Met259Thr; replaces methionine 259 with threonine.
Molecular consequence: missense variant.
Genome position (GRCh38, 1-based): chr9:121,317,108, T>C. VCF-style: chr9-121317108-T-C. GRCh37 (hg19) VCF-style: chr9-124079386-T-C.
Other names: c.929T>C, p.Met310Thr (NM_000177.5); c.776T>C, p.Met259Thr (NM_001127662.2, NM_001127664.2, NM_001127665.2 and 10 more transcripts); c.884T>C, p.Met295Thr (NM_001127663.2); c.809T>C, p.Met270Thr (NM_001127666.2, NM_001353063.2, NM_001353064.2 and 13 more transcripts); c.827T>C, p.Met276Thr (NM_001258029.2); c.800T>C, p.Met267Thr (NM_001258030.2); c.848T>C, p.Met283Thr (NM_001353076.2); c.122T>C, p.Met41Thr (NM_001353078.2); short protein forms M270T, M41T, M267T, M310T, M276T, M259T, M283T, M295T.
Identifiers: ClinVar variation 1426686 (VCV001426686.9), dbSNP rs770943559, ClinGen allele CA5221044.

ClinVar aggregate classification (germline): Uncertain significance. Review status: criteria provided, multiple submitters, no conflicts (2 of 4 stars). 2 submissions from 2 submitters: Uncertain significance (2). Last evaluated 2022-05-07.

Conditions:
Finnish type amyloidosis. Also called: Lattice corneal dystrophy associated with familial systemic amyloidosis; Meretoja's syndrome; Lattice dystrophy of the cornea with hereditary generalized amyloidosis; AMYLOIDOSIS, HEREDITARY SYSTEMIC 4, FINNISH TYPE; AMYLOID CRANIAL NEUROPATHY WITH LATTICE CORNEAL DYSTROPHY; AMYLOIDOSIS DUE TO MUTANT GELSOLIN. Identifiers: Orphanet 85448, MedGen C1622345, MONDO:0007097, OMIM 105120.

Allele frequency attached by ClinVar (database versions not stated): gnomAD exomes below 0.00001 and 0.00001; ExAC 0.00001; TOPMed 0.00001.
gnomAD v4.1: 3 of 1,614,176 alleles (0.00019%); highest among the groups gnomAD compares: East Asian, 0.0022%; no homozygotes.

Submissions (2):

Fulgent Genetics
Classification: Uncertain significance for Finnish type amyloidosis. Last evaluated: 2022-05-07. Review status: criteria provided, single submitter. Criteria: ACMG Guidelines, 2015. Collection method: clinical testing. Allele origin: unknown.

Labcorp Genetics (formerly Invitae), Labcorp
Classification: Uncertain significance. Last evaluated: 2021-05-08. Review status: criteria provided, single submitter. Criteria: Invitae Variant Classification Sherloc (09022015). Collection method: clinical testing. Allele origin: germline.
Comment: This sequence change replaces methionine with threonine at codon 310 of the GSN protein (p.Met310Thr). The methionine residue is moderately conserved and there is a moderate physicochemical difference between methionine and threonine. This variant is present in population databases (rs770943559, ExAC 0.009%). This variant has not been reported in the literature in individuals with GSN-related conditions. Algorithms developed to predict the effect of missense changes on protein structure and function (SIFT, PolyPhen-2, Align-GVGD) all suggest that this variant is likely to be tolerated, but these predictions have not been confirmed by published functional studies and their clinical significance is uncertain. In summary, the available evidence is currently insufficient to determine the role of this variant in disease. Therefore, it has been classified as a Variant of Uncertain Significance.